The following is an entry in ClinVar:

Conditions:
Breast-ovarian cancer, familial, susceptibility to, 1 (BROVCA1). Also called: BRCA1 Hereditary Breast and Ovarian Cancer; OVARIAN CANCER, SUSCEPTIBILITY TO. Identifiers: Orphanet 145, MedGen C2676676, MONDO:0011450, OMIM 604370. Disease mechanism: loss of function.

Submission:

Brotman Baty Institute, University of Washington
No classification provided (evidence only). Condition: Breast-ovarian cancer, familial 1. Review status: no classification provided. Collection method: in vitro. Allele origin: not applicable. Functional consequence: functionally_abnormal.
ClinVar note: "not provided" was previously submitted as the classification for the variant. However, the classification appeared to be based only on an observation of functional data so it was converted to no classification on 2025-07-30.

NM_007294.4(BRCA1):c.5305T>G (p.Tyr1769Asp)

Gene: BRCA1 (BRCA1 DNA repair associated; minus strand). Cytogenetic location: 17q21.31.
Variant type: single nucleotide variant.
Coding change: c.5305T>G on transcript NM_007294.4 (MANE Select); coding-DNA position 5305, T replaced by G.
Protein change: p.Tyr1769Asp; replaces tyrosine 1769 with aspartic acid.
Molecular consequence: missense variant. On other transcripts: non-coding transcript variant (1).
Genome position (GRCh38, 1-based): chr17:43,051,090, A>C on the plus strand (T>G on the coding strand, the complement: BRCA1 is on the minus strand). VCF-style: chr17-43051090-A-C. GRCh37 (hg19) VCF-style: chr17-41203107-A-C.
Other names: c.5092T>G, p.Tyr1698Asp (NM_001407571.1, NM_001407902.1, NM_001407904.1 and 12 more transcripts); c.5371T>G, p.Tyr1791Asp (NM_001407581.1, NM_001407582.1); c.5368T>G, p.Tyr1790Asp (NM_001407583.1, NM_001407585.1, NM_001407587.1 and 1 more transcripts); c.5302T>G, p.Tyr1768Asp (NM_001407610.1, NM_001407611.1, NM_001407612.1 and 17 more transcripts); c.5299T>G, p.Tyr1767Asp (NM_001407629.1, NM_001407630.1, NM_001407631.1 and 14 more transcripts); c.5245T>G, p.Tyr1749Asp (NM_001407649.1); c.5227T>G, p.Tyr1743Asp (NM_001407652.1, NM_001407653.1, NM_001407654.1 and 1 more transcripts); c.5224T>G, p.Tyr1742Asp (NM_001407656.1, NM_001407657.1, NM_001407658.1); and 72 more; short protein forms Y1722D, Y1790D, Y665D, Y1769D, Y1472D, Y1600D, Y1615D, Y1657D.
Identifiers: ClinVar variation 865577 (VCV000865577.3), dbSNP rs2051204673, ClinGen allele CA10590937.
Genomic context (GRCh38, chr17:43,051,090, plus strand): 5'-TGCTGGAACTCTGGGGTTCTCCCAGGCTCTTACCTGTGGGCATGTTGGTGAAGGGCCCAT[A>C]GCAACAGATTTCTAGCCCCCTGAAGATCTGGAAGAAGAGAGGAAGAGAGAGGGACAGGGG-3'
Protein context (NP_009225.1, residues 1759-1779): KIFRGLEICC[Tyr1769Asp]GPFTNMPTDQ